The following is an entry in ClinVar:

NM_006514.4(SCN10A):c.270+2T>C

Gene: SCN10A (sodium voltage-gated channel alpha subunit 10; minus strand). Cytogenetic location: 3p22.2.
Variant type: single nucleotide variant.
Coding change: c.270+2T>C on transcript NM_006514.4 (MANE Select); the canonical splice donor site of the intron after coding-DNA position 270, T replaced by C.
Molecular consequence: splice donor variant.
Genome position (GRCh38, 1-based): chr3:38,793,739, A>G on the plus strand (T>C on the coding strand, the complement: SCN10A is on the minus strand). VCF-style: chr3-38793739-A-G. GRCh37 (hg19) VCF-style: chr3-38835230-A-G.
Other names: c.270+2T>C (NM_006514.2, NM_001293307.2, NM_001293306.2).
Identifiers: ClinVar variation 1912969 (VCV001912969.6), dbSNP rs1575183783, ClinGen allele CA352162426.

ClinVar aggregate classification (germline): Uncertain significance. Review status: criteria provided, multiple submitters, no conflicts (2 of 4 stars). 2 submissions from 2 submitters: Uncertain significance (2). Last evaluated 2025-06-17.

Conditions:
Cardiovascular phenotype. Identifiers: MedGen CN230736.
Brugada syndrome. Also called: Sudden unexpected nocturnal death syndrome; Sudden Unexplained Death Syndrome; Sudden Unexplained Nocturnal Death Syndrome (SUNDS); Sudden unexplained nocturnal death syndrome. Identifiers: Orphanet 130, MedGen C1142166, MONDO:0015263.

Allele frequency attached by ClinVar (database versions not stated): gnomAD exomes 0.00001.
gnomAD v4.1: 7 of 1,612,164 alleles (0.00043%); highest among the groups gnomAD compares: African/African-American, 0.0027%; no homozygotes.

Submissions (2):

Ambry Genetics
Classification: Uncertain significance for Cardiovascular phenotype. Last evaluated: 2025-06-17. Review status: criteria provided, single submitter. Criteria: Ambry Variant Classification Scheme 2023. Collection method: clinical testing. Allele origin: germline.
Comment: The c.270+2T>C intronic variant results from a T to C substitution two nucleotides after coding exon 1 in the SCN10A gene. This nucleotide position is highly conserved in available vertebrate species. In silico splice site analysis predicts that this alteration will weaken the native splice donor site. Alterations that disrupt the canonical splice site are expected to cause aberrant splicing, resulting in an abnormal protein or a transcript that is subject to nonsense-mediated mRNA decay. However, the evidence for this gene-disease relationship is limited; therefore, the clinical significance of this alteration is unclear.

Labcorp Genetics (formerly Invitae), Labcorp
Classification: Uncertain significance for Brugada syndrome. Last evaluated: 2022-04-25. Review status: criteria provided, single submitter. Criteria: Invitae Variant Classification Sherloc (09022015). Collection method: clinical testing. Allele origin: germline.
Comment: In summary, the available evidence is currently insufficient to determine the role of this variant in disease. Therefore, it has been classified as a Variant of Uncertain Significance. Algorithms developed to predict the effect of sequence changes on RNA splicing suggest that this variant may disrupt the consensus splice site. This variant has not been reported in the literature in individuals affected with SCN10A-related conditions. This variant is not present in population databases (gnomAD no frequency). This sequence change affects a donor splice site in intron 1 of the SCN10A gene. It is expected to disrupt RNA splicing. Variants that disrupt the donor or acceptor splice site typically lead to a loss of protein function (PMID: 16199547), however the current clinical and genetic evidence is not sufficient to establish whether loss-of-function variants in SCN10A cause disease.

Literature cited by the submitters: PubMed 16199547 (cited by Labcorp Genetics (formerly Invitae), Labcorp).